The following is an entry in ClinVar:

ClinVar aggregate classification (germline): Uncertain significance (1 of 4 stars; one submission).

Submission:

CeGaT Center for Human Genetics Tuebingen
Classification: Uncertain significance. Last evaluated: 2026-07-01. Review status: criteria provided, single submitter. Criteria: CeGaT Center For Human Genetics Tuebingen Variant Classification Criteria Version 2. Collection method: clinical testing. Allele origin: germline. Affected: yes. Observed: 1 variant allele.
Comment: CHRNA2: PM2, PP2, PP3

NM_000742.4(CHRNA2):c.797T>G (p.Leu266Arg)

Gene: CHRNA2 (cholinergic receptor nicotinic alpha 2 subunit; minus strand). Cytogenetic location: 8p21.2.
Variant type: single nucleotide variant.
Coding change: c.797T>G on transcript NM_000742.4 (MANE Select); coding-DNA position 797, T replaced by G.
Protein change: p.Leu266Arg; replaces leucine 266 with arginine.
Molecular consequence: missense variant.
Genome position (GRCh38, 1-based): chr8:27,463,646, A>C on the plus strand (T>G on the coding strand, the complement: CHRNA2 is on the minus strand). VCF-style: chr8-27463646-A-C. GRCh37 (hg19) VCF-style: chr8-27321163-A-C.
Other names: c.752T>G, p.Leu251Arg (NM_001282455.2); c.320T>G, p.Leu107Arg (NM_001347705.2, NM_001347706.2); c.203T>G, p.Leu68Arg (NM_001347707.2, NM_001347708.2); short protein forms L107R, L251R, L266R, L68R.
Identifiers: ClinVar variation 5039599 (VCV005039599.1).